The following is an entry in ClinVar:

NM_000159.4(GCDH):c.1146_1147dup (p.Arg383fs)

Gene: GCDH (glutaryl-CoA dehydrogenase; plus strand). Cytogenetic location: 19p13.13.
Variant type: Duplication.
Coding change: c.1146_1147dup on transcript NM_000159.4 (MANE Select); coding-DNA positions 1146 to 1147, 2 bases duplicated (CC; older notation c.1146_1147dupCC).
Protein change: p.Arg383fs; shifts the reading frame from arginine 383.
Molecular consequence: frameshift variant. On other transcripts: non-coding transcript variant (2).
Genome position (GRCh38, 1-based): chr19:12,897,766-12,897,767, CC duplicated; duplicating any 2 consecutive bases within chr19:12,897,765-12,897,767 gives the same sequence; the c. name uses the placement nearest the transcript's 3' end. VCF-style (leftmost placement, unchanged base first): chr19-12897764-G-GCC. GRCh37 (hg19) VCF-style: chr19-13008578-G-GCC.
Other names: c.1146_1147dup, p.Arg383fs (NM_013976.5); short protein forms R383fs.
Identifiers: ClinVar variation 3646839 (VCV003646839.2).

ClinVar aggregate classification (germline): Pathogenic (1 of 4 stars; one submission).

Conditions:
Glutaric aciduria, type 1. Also called: GA I; Glutaricaciduria, type I; Glutaryl-CoA dehydrogenase deficiency; Glutaric Acidemia Type 1; Glutaric acidemia type I; Glutaricacidemia Type 1. Identifiers: Orphanet 25, MedGen C0268595, MONDO:0009281, OMIM 231670.

Submission:

Labcorp Genetics (formerly Invitae), Labcorp
Classification: Pathogenic for Glutaric aciduria, type 1. Last evaluated: 2024-03-27. Review status: criteria provided, single submitter. Criteria: Invitae Variant Classification Sherloc (09022015). Collection method: clinical testing. Allele origin: germline.
Comment: This sequence change creates a premature translational stop signal (p.Arg383Profs*19) in the GCDH gene. While this is not anticipated to result in nonsense mediated decay, it is expected to disrupt the last 56 amino acid(s) of the GCDH protein. This variant is not present in population databases (gnomAD no frequency). This variant has not been reported in the literature in individuals affected with GCDH-related conditions. This variant disrupts a region of the GCDH protein in which other variant(s) (p.Ala382Thr) have been determined to be pathogenic (PMID: 27629047, 33064266). This suggests that this is a clinically significant region of the protein, and that variants that disrupt it are likely to be disease-causing. For these reasons, this variant has been classified as Pathogenic.

Literature cited by the submitters: PubMed 27629047; PubMed 33064266.